The following is an entry in ClinVar:

NM_001363118.2(SLC52A2):c.487C>T (p.Leu163=)

Gene: SLC52A2 (solute carrier family 52 member 2; plus strand). Cytogenetic location: 8q24.3.
Variant type: single nucleotide variant.
Coding change: c.487C>T on transcript NM_001363118.2 (MANE Select); coding-DNA position 487, C replaced by T.
Protein change: p.Leu163=; no amino-acid change (leucine 163 retained).
Molecular consequence: synonymous variant. On other transcripts: non-coding transcript variant (1), intron variant (1).
Genome position (GRCh38, 1-based): chr8:144,359,979, C>T. VCF-style: chr8-144359979-C-T. GRCh37 (hg19) VCF-style: chr8-145583639-C-T.
Other names: c.487C>T, p.Leu163= (NM_001253815.2, NM_001253816.2, NM_001363120.2 and 2 more transcripts); c.131-136C>T (NM_001363122.2); c.487C>T (NM_001253816.1).
Identifiers: ClinVar variation 473203 (VCV000473203.32), dbSNP rs781887989, ClinGen allele CA4938201.
Genomic context (GRCh38, chr8:144,359,979, plus strand): 5'-TTCTTACGGTCATTCTTCCTGGGTCAAGGCCTGAGTGCCCTGCTGCCCTGCGTGCTGGCC[C>T]TAGTGCAGGGTGTGGGCCGCCTCGAGTGCCCGCCAGCCCCCATCAACGGCACCCCTGGCC-3'
Protein context (NP_001350047.1, residues 153-173): LSALLPCVLA[Leu163=]VQGVGRLECP

ClinVar aggregate classification (germline): Likely benign. Review status: criteria provided, multiple submitters, no conflicts (2 of 4 stars). 4 submissions from 4 submitters: Likely benign (4). Last evaluated 2026-07-02.

Conditions:
SLC52A2-related disorder. Also called: SLC52A2-related condition.
Inborn genetic diseases. Identifiers: MedGen C0950123, MeSH D030342.
Brown-Vialetto-van Laere syndrome 2. Also called: Riboflavin transporter deficiency type 2; SPINOCEREBELLAR ATAXIA WITH BLINDNESS AND DEAFNESS 2. Identifiers: Orphanet 572543, Orphanet 97229, MedGen C3553538, MONDO:0013867, OMIM 614707.

Allele frequency attached by ClinVar (database versions not stated): ExAC 0.00012; gnomAD 0.00012 and 0.00011; gnomAD exomes 0.00017; TOPMed 0.00015.

Submissions (4):

PreventionGenetics, part of Exact Sciences
Classification: Likely benign for SLC52A2-related condition. Last evaluated: 2026-07-02. Review status: criteria provided, single submitter. Criteria: ACMG Guidelines, 2015. Collection method: clinical testing. Allele origin: germline.
Comment: This variant is classified as likely benign based on ACMG/AMP sequence variant interpretation guidelines (Richards et al. 2015 PMID: 25741868, with internal and published modifications).

Labcorp Genetics (formerly Invitae), Labcorp
Classification: Likely benign for Brown-Vialetto-van Laere syndrome 2. Last evaluated: 2026-01-28. Review status: criteria provided, single submitter. Criteria: Invitae Variant Classification Sherloc (09022015). Collection method: clinical testing. Allele origin: germline.

CeGaT Center for Human Genetics Tuebingen
Classification: Likely benign. Last evaluated: 2025-12-01. Review status: criteria provided, single submitter. Criteria: CeGaT Center For Human Genetics Tuebingen Variant Classification Criteria Version 2. Collection method: clinical testing. Allele origin: germline. Affected: yes. Observed: 2 variant alleles.
Comment: SLC52A2: BP4, BP7

Ambry Genetics
Classification: Likely benign for Inborn genetic diseases. Last evaluated: 2019-07-11. Review status: criteria provided, single submitter. Criteria: Ambry Variant Classification Scheme 2023. Collection method: clinical testing. Allele origin: germline.